The following is an entry in ClinVar:

NM_022166.4(XYLT1):c.2T>C (p.Met1Thr)

Gene: XYLT1 (xylosyltransferase 1; minus strand). Cytogenetic location: 16p12.3.
Variant type: single nucleotide variant.
Coding change: c.2T>C on transcript NM_022166.4 (MANE Select); coding-DNA position 2, T replaced by C.
Protein change: p.Met1Thr; changes the start codon (methionine 1).
Molecular consequence: missense variant, initiator codon variant.
Genome position (GRCh38, 1-based): chr16:17,470,795, A>G on the plus strand (T>C on the coding strand, the complement: XYLT1 is on the minus strand). VCF-style: chr16-17470795-A-G. GRCh37 (hg19) VCF-style: chr16-17564652-A-G.
Other names: short protein forms M1T.
Identifiers: ClinVar variation 4854695 (VCV004854695.1).

ClinVar aggregate classification (germline): Uncertain significance (1 of 4 stars; one submission).

Conditions:
Desbuquois dysplasia 2 (DBQD2). Also called: Baratela-Scott syndrome. Identifiers: Orphanet 1425, MedGen C4014294, MONDO:0014343, OMIM 615777.

Submission:

3billion
Classification: Uncertain significance for Desbuquois dysplasia 2. Last evaluated: 2026-01-02. Review status: criteria provided, single submitter. Criteria: ACMG Guidelines, 2015. Collection method: clinical testing. Allele origin: germline. Affected: yes.
Comment: The variant is not observed in the gnomAD v4.1.0 dataset. Predicted Consequence/Location: Start-lost: reinitiation of translation may occur at a downstream alternate start codon but still result in a loss or disruption of normal protein function as there have been pathogenic variants reported upstream of the alternate start codon. Therefore, this variant is classified as VUS according to the recommendation of ACMG/AMP guideline.